The following is an entry in ClinVar:

NM_001197104.2(KMT2A):c.10113G>A (p.Arg3371=)

Gene: KMT2A (lysine methyltransferase 2A; plus strand). Cytogenetic location: 11q23.3.
Variant type: single nucleotide variant.
Coding change: c.10113G>A on transcript NM_001197104.2 (MANE Select); coding-DNA position 10113, G replaced by A.
Protein change: p.Arg3371=; no amino-acid change (arginine 3371 retained).
Molecular consequence: synonymous variant.
Genome position (GRCh38, 1-based): chr11:118,506,005, G>A. VCF-style: chr11-118506005-G-A. GRCh37 (hg19) VCF-style: chr11-118376720-G-A.
Other names: c.10104G>A, p.Arg3368= (NM_005933.4).
Identifiers: ClinVar variation 738124 (VCV000738124.17), dbSNP rs369292004, ClinGen allele CA6304685.

ClinVar aggregate classification (germline): Likely benign. Review status: criteria provided, multiple submitters, no conflicts (2 of 4 stars). 4 submissions from 4 submitters: Likely benign (4). Last evaluated 2026-01-01.

Allele frequency attached by ClinVar (database versions not stated): ExAC 0.00011; TOPMed 0.00011; gnomAD exomes 0.00013; ESP Exome Variant Server 0.00023.
gnomAD v4.1: 158 of 1,613,996 alleles (0.0098%); highest among the groups gnomAD compares: Non-Finnish European, 0.012%; no homozygotes.

Submissions (4):

CeGaT Center for Human Genetics Tuebingen
Classification: Likely benign. Last evaluated: 2026-01-01. Review status: criteria provided, single submitter. Criteria: CeGaT Center For Human Genetics Tuebingen Variant Classification Criteria Version 2. Collection method: clinical testing. Allele origin: germline. Affected: yes. Observed: 1 variant allele.
Comment: KMT2A: BP4, BS1

Labcorp Genetics (formerly Invitae), Labcorp
Classification: Likely benign. Last evaluated: 2025-12-28. Review status: criteria provided, single submitter. Criteria: Invitae Variant Classification Sherloc (09022015). Collection method: clinical testing. Allele origin: germline.

Blueprint Genetics
Classification: Likely benign. Last evaluated: 2024-06-12. Review status: criteria provided, single submitter. Criteria: ACMG Guidelines, 2015. Collection method: clinical testing. Allele origin: germline.

Genetic Services Laboratory, University of Chicago
Classification: Likely benign. Last evaluated: 2021-06-22. Review status: criteria provided, single submitter. Criteria: ACMG Guidelines, 2015. Collection method: clinical testing. Allele origin: germline. Affected: no.